The following is an entry in ClinVar:

NM_000257.4(MYH7):c.91T>C (p.Phe31Leu)

Gene: MYH7 (myosin heavy chain 7; minus strand). Cytogenetic location: 14q11.2.
Variant type: single nucleotide variant.
Coding change: c.91T>C on transcript NM_000257.4 (MANE Select); coding-DNA position 91, T replaced by C.
Protein change: p.Phe31Leu; replaces phenylalanine 31 with leucine.
Molecular consequence: missense variant.
Genome position (GRCh38, 1-based): chr14:23,433,642, A>G on the plus strand (T>C on the coding strand, the complement: MYH7 is on the minus strand). VCF-style: chr14-23433642-A-G. GRCh37 (hg19) VCF-style: chr14-23902851-A-G.
Other names: c.91T>C (NM_000257.2); short protein forms F31L.
Identifiers: ClinVar variation 1512134 (VCV001512134.7), dbSNP rs757655773, ClinGen allele CA049702.

ClinVar aggregate classification (germline): Uncertain significance. Review status: criteria provided, multiple submitters, no conflicts (2 of 4 stars). 2 submissions from 2 submitters: Uncertain significance (2). Last evaluated 2025-06-30.

Conditions:
Hypertrophic cardiomyopathy. Also called: HYPERTROPHIC MYOCARDIOPATHY. Identifiers: Orphanet 217569, MedGen C0007194, MeSH D002312, MONDO:0005045, HP:0001639.

Allele frequency attached by ClinVar (database versions not stated): gnomAD exomes below 0.00001; ExAC 0.00001; gnomAD 0.00001; TOPMed 0.00001.
gnomAD v4.1: 2 of 1,614,140 alleles (0.00012%); highest among the groups gnomAD compares: African/African-American, 0.0027%; no homozygotes.

Submissions (2):

GeneDx
Classification: Uncertain significance. Last evaluated: 2025-06-30. Review status: criteria provided, single submitter. Criteria: GeneDx Variant Classification Process June 2021. Collection method: clinical testing. Allele origin: germline. Affected: yes.
Comment: Not observed at significant frequency in large population cohorts (gnomAD); In silico analysis supports that this missense variant has a deleterious effect on protein structure/function; Has not been previously published as pathogenic or benign to our knowledge

Labcorp Genetics (formerly Invitae), Labcorp
Classification: Uncertain significance for Hypertrophic cardiomyopathy. Last evaluated: 2025-05-13. Review status: criteria provided, single submitter. Criteria: Invitae Variant Classification Sherloc (09022015). Collection method: clinical testing. Allele origin: germline.
Comment: This sequence change replaces phenylalanine, which is neutral and non-polar, with leucine, which is neutral and non-polar, at codon 31 of the MYH7 protein (p.Phe31Leu). This variant is present in population databases (rs757655773, gnomAD 0.007%). This variant has not been reported in the literature in individuals affected with MYH7-related conditions. ClinVar contains an entry for this variant (Variation ID: 1512134). Invitae Evidence Modeling of protein sequence and biophysical properties (such as structural, functional, and spatial information, amino acid conservation, physicochemical variation, residue mobility, and thermodynamic stability) has been performed for this missense variant. However, the output from this modeling did not meet the statistical confidence thresholds required to predict the impact of this variant on MYH7 protein function. In summary, the available evidence is currently insufficient to determine the role of this variant in disease. Therefore, it has been classified as a Variant of Uncertain Significance.